The following is an entry in ClinVar:

NM_016306.6(DNAJB11):c.579C>T (p.Cys193=)

Gene: DNAJB11 (DnaJ heat shock protein family (Hsp40) member B11; plus strand). Cytogenetic location: 3q27.3.
Variant type: single nucleotide variant.
Coding change: c.579C>T on transcript NM_016306.6 (MANE Select); coding-DNA position 579, C replaced by T.
Protein change: p.Cys193=; no amino-acid change (cysteine 193 retained).
Molecular consequence: synonymous variant. On other transcripts: non-coding transcript variant (5), intron variant (1).
Genome position (GRCh38, 1-based): chr3:186,581,493, C>T. VCF-style: chr3-186581493-C-T. GRCh37 (hg19) VCF-style: chr3-186299282-C-T.
Other names: c.324-502C>T (NM_001378451.1).
Identifiers: ClinVar variation 3038966 (VCV003038966.3), dbSNP rs759619633, ClinGen allele CA2744517.

ClinVar aggregate classification (germline): Likely benign. Review status: criteria provided, single submitter (1 of 4 stars). 2 submissions from 2 submitters: Likely benign (1). 1 of the submissions does not count toward it. Last evaluated 2026-02-01.

Conditions:
DNAJB11-related disorder. Also called: DNAJB11-related condition.

Allele frequency attached by ClinVar (database versions not stated): gnomAD 0.00001; gnomAD exomes 0.00001; ExAC 0.00004; TOPMed 0.00005.
gnomAD v4.1: 19 of 1,612,808 alleles (0.0012%); highest among the groups gnomAD compares: Admixed American, 0.022%; no homozygotes.

Submissions (2):

Labcorp Genetics (formerly Invitae), Labcorp
Classification: Likely benign. Last evaluated: 2026-02-01. Review status: criteria provided, single submitter. Criteria: Invitae Variant Classification Sherloc (09022015). Collection method: clinical testing. Allele origin: germline.

PreventionGenetics, part of Exact Sciences
Classification: Likely benign for DNAJB11-related condition. Last evaluated: 2019-03-13. Review status: no assertion criteria provided. Collection method: clinical testing. Allele origin: germline. Not counted in ClinVar's aggregate classification.
Comment: This variant is classified as likely benign based on ACMG/AMP sequence variant interpretation guidelines (Richards et al. 2015 PMID: 25741868, with internal and published modifications).